The following is an entry in ClinVar:

NM_033305.3(VPS13A):c.1150G>A (p.Val384Met)

Gene: VPS13A (vacuolar protein sorting 13 homolog A; plus strand). Cytogenetic location: 9q21.2.
Variant type: single nucleotide variant.
Coding change: c.1150G>A on transcript NM_033305.3 (MANE Select); coding-DNA position 1150, G replaced by A.
Protein change: p.Val384Met; replaces valine 384 with methionine.
Molecular consequence: missense variant.
Genome position (GRCh38, 1-based): chr9:77,221,345, G>A. VCF-style: chr9-77221345-G-A. GRCh37 (hg19) VCF-style: chr9-79836261-G-A.
Other names: c.1150G>A, p.Val384Met (NM_001018037.2, NM_001018038.3, NM_015186.4); short protein forms V384M.
Identifiers: ClinVar variation 586927 (VCV000586927.7), dbSNP rs139444683, ClinGen allele CA5091592.

ClinVar aggregate classification (germline): Conflicting classifications of pathogenicity. Review status: criteria provided, conflicting classifications (1 of 4 stars). 4 submissions from 4 submitters: Uncertain significance (2); Likely benign (2). Last evaluated 2024-10-23.

Conditions:
Inborn genetic diseases. Identifiers: MedGen C0950123, MeSH D030342.

Allele frequency attached by ClinVar (database versions not stated): gnomAD exomes 0.00004; ExAC 0.00006; TOPMed 0.00009; gnomAD 0.00010 and 0.00011; 1000 Genomes Project 30x 0.00016; 1000 Genomes Project 0.00020; ESP Exome Variant Server 0.00023.
gnomAD v4.1: 60 of 1,612,598 alleles (0.0037%); highest among the groups gnomAD compares: African/African-American, 0.02%; 1 homozygote.

Submissions (4):

Blueprint Genetics
Classification: Likely benign. Last evaluated: 2024-10-23. Review status: criteria provided, single submitter. Criteria: ACMG Guidelines, 2015. Collection method: clinical testing. Allele origin: germline.

GeneDx
Classification: Uncertain significance. Last evaluated: 2024-07-23. Review status: criteria provided, single submitter. Criteria: GeneDx Variant Classification Process June 2021. Collection method: clinical testing. Allele origin: germline. Affected: yes.
Comment: In silico analysis indicates that this missense variant does not alter protein structure/function; Has not been previously published as pathogenic or benign to our knowledge

Ambry Genetics
Classification: Likely benign for Inborn genetic diseases. Last evaluated: 2022-05-06. Review status: criteria provided, single submitter. Criteria: Ambry Variant Classification Scheme 2023. Collection method: clinical testing. Allele origin: germline.

Athena Diagnostics
Classification: Uncertain significance. Last evaluated: 2018-04-10. Review status: criteria provided, single submitter. Criteria: Athena Diagnostics Criteria. Collection method: clinical testing. Allele origin: germline.